The following is an entry in ClinVar:

NM_006147.4(IRF6):c.565G>A (p.Glu189Lys)

Gene: IRF6 (interferon regulatory factor 6; minus strand). Cytogenetic location: 1q32.2.
Variant type: single nucleotide variant.
Coding change: c.565G>A on transcript NM_006147.4 (MANE Select); coding-DNA position 565, G replaced by A.
Protein change: p.Glu189Lys; replaces glutamic acid 189 with lysine.
Molecular consequence: missense variant.
Genome position (GRCh38, 1-based): chr1:209,792,371, C>T on the plus strand (G>A on the coding strand, the complement: IRF6 is on the minus strand). VCF-style: chr1-209792371-C-T. GRCh37 (hg19) VCF-style: chr1-209965716-C-T.
Other names: c.280G>A, p.Glu94Lys (NM_001206696.2); short protein forms E189K, E94K.
Identifiers: ClinVar variation 576768 (VCV000576768.10), dbSNP rs1558039763, ClinGen allele CA344579709.
Genomic context (GRCh38, chr1:209,792,371, plus strand): 5'-GCTGTATAGGTGCCTGGGGTACTTCCATCTCCAGGGGTTCAGTTTTGGGCCACACTGCCT[C>T]CGGGCTGCAGTTGCCCACACTGCAATTGCCCACACTGGCTGGCGCCATGGGAGAACCTAA-3'
Protein context (NP_006138.1, residues 179-199): GNCSVGNCSP[Glu189Lys]AVWPKTEPLE

ClinVar aggregate classification (germline): Uncertain significance (1 of 4 stars; one submission).

Conditions:
Orofacial cleft 6, susceptibility to (OFC6). Also called: CLEFT LIP WITH OR WITHOUT CLEFT PALATE, NONSYNDROMIC, 6. Identifiers: MedGen C1837213, MONDO:0012141, OMIM 608864.
Popliteal pterygium syndrome (PPS). Identifiers: Orphanet 294963, MedGen C0265259, MONDO:0017435.
Van der Woude syndrome. Identifiers: Orphanet 888, MedGen C0175697, MONDO:0019508.

Allele frequency attached by ClinVar (database versions not stated): gnomAD exomes below 0.00001.
gnomAD v4.1: 1 of 1,614,242 alleles (0.000062%); highest among the groups gnomAD compares: Admixed American, 0.0017%; no homozygotes.

Submission:

Labcorp Genetics (formerly Invitae), Labcorp
Classification: Uncertain significance for Orofacial cleft 6, susceptibility to; Van der Woude syndrome; Popliteal pterygium syndrome. Last evaluated: 2020-04-01. Review status: criteria provided, single submitter. Criteria: Invitae Variant Classification Sherloc (09022015). Collection method: clinical testing. Allele origin: germline.
Comment: In summary, the available evidence is currently insufficient to determine the role of this variant in disease. Therefore, it has been classified as a Variant of Uncertain Significance. Algorithms developed to predict the effect of missense changes on protein structure and function (SIFT, PolyPhen-2, Align-GVGD) all suggest that this variant is likely to be tolerated, but these predictions have not been confirmed by published functional studies and their clinical significance is uncertain. This variant has not been reported in the literature in individuals with IRF6-related disease. This variant is not present in population databases (ExAC no frequency). This sequence change replaces glutamic acid with lysine at codon 189 of the IRF6 protein (p.Glu189Lys). The glutamic acid residue is highly conserved and there is a small physicochemical difference between glutamic acid and lysine.